The following is an entry in ClinVar:

ClinVar aggregate classification (germline): Pathogenic/Likely pathogenic. Review status: criteria provided, multiple submitters, no conflicts (2 of 4 stars). 2 submissions from 2 submitters: Pathogenic (1); Likely pathogenic (1). Last evaluated 2026-06-17.

Conditions:
Polycystic kidney disease 4 (PKD4). Also called: POLYCYSTIC KIDNEY AND HEPATIC DISEASE 1; POLYCYSTIC KIDNEY DISEASE, INFANTILE, TYPE I; PKD3; POLYCYSTIC KIDNEY DISEASE 4 WITH OR WITHOUT POLYCYSTIC LIVER DISEASE; Autosomal Recessive Polycystic Kidney Disease – PKHD1. Identifiers: MedGen C4540575, MONDO:0033004, OMIM 263200.

Submissions (2):

Myriad Genetics, Inc.
Classification: Pathogenic for Polycystic kidney disease 4. Last evaluated: 2026-06-17. Review status: criteria provided, single submitter. Criteria: Myriad Autosomal Dominant, Autosomal Recessive and X-Linked Classification Criteria (2023). Collection method: clinical testing. Allele origin: unknown.
Comment: NM_138694.3(PKHD1):c.7721dupT(M2574Ifs*10) is expected to be pathogenic in the context of autosomal recessive polycystic kidney disease, PKHD1-related. This variant is predicted to lead to an abnormal or absent protein product due to the creation of a premature termination codon in PKHD1, a gene where loss-of-function variants are known to be pathogenic. Please note: this variant was assessed in the context of healthy population screening.

Baylor Genetics
Classification: Likely pathogenic for Polycystic kidney disease 4. Last evaluated: 2023-01-28. Review status: criteria provided, single submitter. Criteria: ACMG Guidelines, 2015. Collection method: clinical testing. Allele origin: unknown.

NM_138694.4(PKHD1):c.7721dup (p.Met2574fs)

Gene: PKHD1 (PKHD1 ciliary IPT domain containing fibrocystin/polyductin; minus strand). Cytogenetic location: 6p12.2.
Variant type: Duplication.
Coding change: c.7721dup on transcript NM_138694.4 (MANE Select); coding-DNA position 7721, one base duplicated (T; older notation c.7721dupT).
Protein change: p.Met2574fs; shifts the reading frame from methionine 2574.
Molecular consequence: frameshift variant.
Genome position (GRCh38, 1-based): chr6:51,867,875, A duplicated on the plus strand (T on the coding strand, the reverse complement: PKHD1 is on the minus strand). VCF-style (leftmost placement, unchanged base first): chr6-51867874-C-CA. GRCh37 (hg19) VCF-style: chr6-51732672-C-CA.
Other names: c.7721dup, p.Met2574fs (NM_170724.3); short protein forms M2574fs.
Identifiers: ClinVar variation 2677844 (VCV002677844.2), dbSNP rs2535972691, ClinGen allele CA2695198862.
Genomic context (GRCh38, chr6:51,867,874, plus strand): 5'-CAGATGCATGCCCATCGGCAAGCTAAAAAGTATAGTTAATTCCACTTACAAACCAATAGA[C>CA]ATACGATGAAAAAGAACACCTCCTCCACAGGCACTGCCATGGACAACCCGACCAAAGCTT-3'